The following is an entry in ClinVar:

NM_007294.4(BRCA1):c.2694dup (p.Val899fs)

Gene: BRCA1 (BRCA1 DNA repair associated; minus strand). Cytogenetic location: 17q21.31.
Variant type: Duplication.
Coding change: c.2694dup on transcript NM_007294.4 (MANE Select); coding-DNA position 2694, one base duplicated (A; older notation c.2694dupA).
Protein change: p.Val899fs; shifts the reading frame from valine 899.
Molecular consequence: frameshift variant. On other transcripts: intron variant (137).
Genome position (GRCh38, 1-based): chr17:43,092,837, T duplicated on the plus strand (A on the coding strand, the reverse complement: BRCA1 is on the minus strand); the first of 4 consecutive T bases (chr17:43,092,837-43,092,840); duplicating any one gives the same sequence. VCF-style (leftmost placement, unchanged base first): chr17-43092836-C-CT. GRCh37 (hg19) VCF-style: chr17-41244853-C-CT.
Other names: 2809insA; c.2694dupA (NM_007294.3); c.2694dup, p.Val899fs (NM_001407684.1, NM_001407854.1, NM_001407858.1 and 30 more transcripts); c.2568dup, p.Val857fs (NM_001407685.1, NM_001407686.1, NM_001407687.1 and 11 more transcripts); c.2553dup, p.Val852fs (NM_001407692.1, NM_001407694.1, NM_001407695.1 and 29 more transcripts); c.2550dup, p.Val851fs (NM_001407740.1, NM_001407741.1, NM_001407742.1 and 20 more transcripts); c.2481dup, p.Val828fs (NM_001407853.1, NM_001407894.1, NM_001407895.1 and 9 more transcripts); c.2691dup, p.Val898fs (NM_001407860.1, NM_001407861.1, NM_001407587.1 and 22 more transcripts); and 43 more; short protein forms V852fs, V899fs, V771fs, V787fs, V788fs, V896fs, V731fs, V828fs.
Identifiers: ClinVar variation 54650 (VCV000054650.13), dbSNP rs80357549, ClinGen allele CA267965.

ClinVar aggregate classification (germline): Pathogenic. Review status: reviewed by expert panel (3 of 4 stars). 6 submissions from 6 submitters: Pathogenic (1). 5 of the submissions do not count toward it. Last evaluated 2016-09-08.

Conditions:
Hereditary cancer-predisposing syndrome. Also called: Tumor predisposition; Neoplastic Syndromes, Hereditary; Hereditary Cancer Syndrome; Hereditary neoplastic syndrome. Identifiers: Orphanet 140162, MedGen C0027672, MeSH D009386, MONDO:0015356.
Hereditary breast ovarian cancer syndrome. Also called: Hereditary breast and ovarian cancer syndrome (HBOC); Hereditary breast and ovarian cancer syndrome; Hereditary breast and ovarian cancer; Hereditary breast and/or ovarian cancer syndrome; Breast and ovarian cancer; BRCA1- and BRCA2-Associated Hereditary Breast and Ovarian Cancer. Identifiers: Orphanet 145, MedGen C0677776, MeSH D061325, MONDO:0003582. Disease mechanism: loss of function.
Breast-ovarian cancer, familial, susceptibility to, 1 (BROVCA1). Also called: OVARIAN CANCER, SUSCEPTIBILITY TO; BRCA1 Hereditary Breast and Ovarian Cancer. Identifiers: Orphanet 145, MedGen C2676676, MONDO:0011450, OMIM 604370. Disease mechanism: loss of function.

Submissions (6):

Evidence-based Network for the Interpretation of Germline Mutant Alleles (ENIGMA)
Classification: Pathogenic for Breast-ovarian cancer, familial, susceptibility to, 1. Last evaluated: 2016-09-08. Review status: reviewed by expert panel. Criteria: ENIGMA BRCA1/2 Classification Criteria (2015). Collection method: curation. Allele origin: germline.
Comment: Variant allele predicted to encode a truncated non-functional protein.

Labcorp Genetics (formerly Invitae), Labcorp
Classification: Pathogenic for Hereditary breast ovarian cancer syndrome. Last evaluated: 2025-12-13. Review status: criteria provided, single submitter. Criteria: Invitae Variant Classification Sherloc (09022015). Collection method: clinical testing. Allele origin: germline. Not counted in ClinVar's aggregate classification.
Comment: This sequence change creates a premature translational stop signal (p.Val899Serfs*4) in the BRCA1 gene. It is expected to result in an absent or disrupted protein product. Loss-of-function variants in BRCA1 are known to be pathogenic (PMID: 20104584). This variant is not present in population databases (gnomAD no frequency). This premature translational stop signal has been observed in individual(s) with hereditary breast and/or ovarian cancer patients (PMID: 23479189, 30322717, 30702160). This variant is also known as c.2690_2691insA (p.Pro897ProfsX6). ClinVar contains an entry for this variant (Variation ID: 54650). For these reasons, this variant has been classified as Pathogenic.

Ambry Genetics
Classification: Pathogenic for Hereditary cancer-predisposing syndrome. Last evaluated: 2025-01-31. Review status: criteria provided, single submitter. Criteria: Ambry Variant Classification Scheme 2023. Collection method: clinical testing. Allele origin: germline. Not counted in ClinVar's aggregate classification.
Comment: The c.2694dupA pathogenic mutation, located in coding exon 9 of the BRCA1 gene, results from a duplication of A at nucleotide position 2694, causing a translational frameshift with a predicted alternate stop codon (p.V899Sfs*4). This variant was reported in individual(s) with features consistent with BRCA1-related cancer predisposition (Walker LC et al. Eur J Hum Genet, 2017 Apr;25:432-438; Carter NJ et al. Gynecol Oncol, 2018 Dec;151:481-488). This variant is considered to be rare based on population cohorts in the Genome Aggregation Database (gnomAD). This alteration is expected to result in loss of function by premature protein truncation or nonsense-mediated mRNA decay. As such, this alteration is interpreted as a disease-causing mutation.

GeneDx
Classification: Pathogenic. Last evaluated: 2016-09-20. Review status: criteria provided, single submitter. Criteria: GeneDx Variant Classification (06012015). Collection method: clinical testing. Allele origin: germline. Affected: yes. Not counted in ClinVar's aggregate classification.
Comment: This duplication of one nucleotide in BRCA1 is denoted c.2694dupA at the cDNA level and p.Val899SerfsX4 (V899SfsX4) at the protein level. The normal sequence, with the bases that are duplicated in brackets, is CAAA[A]GTCA. The duplication causes a frameshift, which changes a Valine to a Serine at codon 899, and creates a premature stop codon at position 4 of the new reading frame. This variant is predicted to cause loss of normal protein function through either protein truncation or nonsense-mediated mRNA decay. BRCA1 c.2694dupA, previously reported as 2809insA and 2690_2691insA using alternate nomenclature, has been observed in multiple individuals with a personal and/or family history of breast and/or ovarian cancer (van der Hout 2006, Zhang 2012, de Juan JimÃ©nez 2013). We consider this variant to be pathogenic.

Consortium of Investigators of Modifiers of BRCA1/2 (CIMBA), c/o University of Cambridge
Classification: Pathogenic for Breast-ovarian cancer, familial, susceptibility to, 1. Last evaluated: 2015-10-02. Review status: criteria provided, single submitter. Criteria: CIMBA Mutation Classification guidelines May 2016. Collection method: clinical testing. Allele origin: germline. Not counted in ClinVar's aggregate classification.

Breast Cancer Information Core (BIC) (BRCA1)
Classification: Pathogenic for Breast-ovarian cancer, familial 1. Review status: no assertion criteria provided. Collection method: clinical testing. Allele origin: germline. Affected: yes. Observed: 1 variant allele. Not counted in ClinVar's aggregate classification.

Literature cited by the submitters: PubMed 20104584 (cited by Labcorp Genetics (formerly Invitae), Labcorp); PubMed 23479189 (cited by Labcorp Genetics (formerly Invitae), Labcorp); PubMed 30322717 (cited by Labcorp Genetics (formerly Invitae), Labcorp and Ambry Genetics); PubMed 30702160 (cited by Labcorp Genetics (formerly Invitae), Labcorp); PubMed 28145423 (cited by Ambry Genetics).